The following is an entry in ClinVar:

GRCh37/hg19 16p11.2(chr16:29606372-30199622)x1

Genes: YPEL3 (yippee like 3; minus strand), ZG16 (zymogen granule protein 16; plus strand), KIF22 (kinesin family member 22; plus strand), MAPK3 (mitogen-activated protein kinase 3; minus strand), MAZ (MYC associated zinc finger protein; plus strand) and 22 more. Cytogenetic location: 16p11.2.
Variant type: copy number loss.
Change: copy number 1 (one copy instead of two) of chr16:29,606,372-30,199,622 (593.3 kb, GRCh37 coordinates, 1-based), cytogenetic band 16p11.2.
Identifiers: ClinVar variation 1328112 (VCV001328112.4).

ClinVar aggregate classification (germline): Pathogenic (1 of 4 stars; one submission).

Submission:

Illumina Laboratory Services, Illumina
Classification: Pathogenic. Last evaluated: 2021-10-25. Review status: criteria provided, single submitter. Criteria: ICSL CNVClassificationCriteria Aug2020. Collection method: clinical testing. Allele origin: unknown.
Comment: This CNV is a 593 kb deletion of 16p11.2 on chromosome 16, (seq[GRCh37]del(16)(p11.2); chr16:g.29606372_30199622del), of unknown inheritance. This CNV constitutes a loss encompassing 27 protein coding genes and overlaps the well-described 16p11.2 microdeletion syndrome, which has been noted as the second most commonly identified microdeletion (Miller et al. 2009; Kaminsky et al. 2011). The 16p11.2 microdeletion syndrome results from an approximately 593 kb recurrent heterozygous deletion involving breakpoints BP4-BP5, a region noted to have a ClinGen haploinsufficiency score of 3 (Weiss et al. 2008; Miller et al. 2009; Riggs et al. 2011). In a large-scale study of the prevalence of CNVs in individuals with intellectual disability/developmental delay and other developmental phenotypes, similar sized losses overlapping this region were shown to be present in the control population but significantly enriched in affected individuals (Coe et al. 2014). Based on the collective evidence, this CNV is classified as pathogenic.

Literature cited by the submitters: PubMed 18184952; PubMed 20301775; PubMed 22097934; PubMed 25217958.